The following is an entry in ClinVar:

NM_080911.3(UNG):c.524C>T (p.Pro175Leu)

Gene: UNG (uracil DNA glycosylase; plus strand). Cytogenetic location: 12q24.11.
Variant type: single nucleotide variant.
Coding change: c.524C>T on transcript NM_080911.3 (MANE Select); coding-DNA position 524, C replaced by T.
Protein change: p.Pro175Leu; replaces proline 175 with leucine.
Molecular consequence: missense variant.
Genome position (GRCh38, 1-based): chr12:109,101,990, C>T. VCF-style: chr12-109101990-C-T. GRCh37 (hg19) VCF-style: chr12-109539795-C-T.
Other names: c.497C>T, p.Pro166Leu (NM_003362.4); short protein forms P166L, P175L.
Identifiers: ClinVar variation 1059734 (VCV001059734.9), dbSNP rs2135885863, ClinGen allele CA386471786.

ClinVar aggregate classification (germline): Uncertain significance (1 of 4 stars; one submission).

Conditions:
Hyper-IgM syndrome type 5 (HIGM5). Also called: Hyper-IgM Immunodeficiency Syndrome, Type 5. Identifiers: Orphanet 101092, MedGen C1720958, MONDO:0011971, OMIM 608106.

Submission:

Labcorp Genetics (formerly Invitae), Labcorp
Classification: Uncertain significance for Hyper-IgM syndrome type 5. Last evaluated: 2020-03-07. Review status: criteria provided, single submitter. Criteria: Invitae Variant Classification Sherloc (09022015). Collection method: clinical testing. Allele origin: germline.
Comment: This variant has not been reported in the literature in individuals with UNG-related conditions. This variant is not present in population databases (ExAC no frequency). This sequence change replaces proline with leucine at codon 175 of the UNG protein (p.Pro175Leu). The proline residue is highly conserved and there is a moderate physicochemical difference between proline and leucine. In summary, the available evidence is currently insufficient to determine the role of this variant in disease. Therefore, it has been classified as a Variant of Uncertain Significance. Algorithms developed to predict the effect of missense changes on protein structure and function are either unavailable or do not agree on the potential impact of this missense change (SIFT: "Deleterious"; PolyPhen-2: "Possibly Damaging"; Align-GVGD: "Class C0").